The following is an entry in ClinVar:

ClinVar aggregate classification (germline): Benign/Likely benign. Review status: criteria provided, multiple submitters, no conflicts (2 of 4 stars). 3 submissions from 3 submitters: Benign (1); Likely benign (2). Last evaluated 2024-09-12.

Conditions:
Hereditary cancer-predisposing syndrome. Also called: Tumor predisposition; Hereditary Cancer Syndrome; Hereditary neoplastic syndrome; Neoplastic Syndromes, Hereditary. Identifiers: Orphanet 140162, MedGen C0027672, MeSH D009386, MONDO:0015356.
Hereditary diffuse gastric adenocarcinoma (HDGC). Also called: DIFFUSE GASTRIC AND LOBULAR BREAST CANCER SYNDROME. Identifiers: Orphanet 26106, MedGen C1708349, MONDO:0007648, OMIM 137215.

Submissions (3):

Myriad Genetics, Inc.
Classification: Benign for Hereditary diffuse gastric adenocarcinoma. Last evaluated: 2024-09-12. Review status: criteria provided, single submitter. Criteria: Myriad Autosomal Dominant, Autosomal Recessive and X-Linked Classification Criteria (2023). Collection method: clinical testing. Allele origin: unknown.
Comment: This variant is considered benign. This variant is a silent/synonymous amino acid change and it is not expected to impact splicing.

Color Diagnostics, LLC DBA Color Health
Classification: Likely benign for Hereditary cancer-predisposing syndrome. Last evaluated: 2019-03-12. Review status: criteria provided, single submitter. Criteria: ACMG Guidelines, 2015. Collection method: clinical testing. Allele origin: germline.

Ambry Genetics
Classification: Likely benign for Hereditary cancer-predisposing syndrome. Last evaluated: 2014-04-24. Review status: criteria provided, single submitter. Criteria: Ambry Autosomal Dominant and X-Linked criteria (10/2015). Collection method: clinical testing. Allele origin: germline. Observed: 1 variant allele.

NM_004360.5(CDH1):c.318C>T (p.Thr106=)

Gene: CDH1 (cadherin 1; plus strand). Cytogenetic location: 16q22.1.
Variant type: single nucleotide variant.
Coding change: c.318C>T on transcript NM_004360.5 (MANE Select); coding-DNA position 318, C replaced by T.
Protein change: p.Thr106=; no amino-acid change (threonine 106 retained).
Molecular consequence: synonymous variant. On other transcripts: 5 prime UTR variant (2).
Genome position (GRCh38, 1-based): chr16:68,801,824, C>T. VCF-style: chr16-68801824-C-T. GRCh37 (hg19) VCF-style: chr16-68835727-C-T.
Other names: c.318C>T (LRG_301t1); c.318C>T, p.Thr106= (NM_001317184.2); c.-1298C>T (NM_001317185.2); c.-1502C>T (NM_001317186.2).
Identifiers: ClinVar variation 185000 (VCV000185000.6), dbSNP rs786201857, ClinGen allele CA190728.